The following is an entry in ClinVar:

ClinVar aggregate classification (germline): Uncertain significance (1 of 4 stars; one submission).

Conditions:
Familial adenomatous polyposis 1 (FAP1). Also called: FAMILIAL ADENOMATOUS POLYPOSIS 1, ATTENUATED; POLYPOSIS, ADENOMATOUS INTESTINAL. Identifiers: MedGen C2713442, MONDO:0021056, OMIM 175100. Disease mechanism: loss of function.

Submission:

Labcorp Genetics (formerly Invitae), Labcorp
Classification: Uncertain significance for Familial adenomatous polyposis 1. Last evaluated: 2020-09-24. Review status: criteria provided, single submitter. Criteria: Invitae Variant Classification Sherloc (09022015). Collection method: clinical testing. Allele origin: germline.
Comment: This variant has not been reported in the literature in individuals with APC-related conditions. Experimental studies and prediction algorithms are not available or were not evaluated, and the functional significance of this variant is currently unknown. In summary, the available evidence is currently insufficient to determine the role of this variant in disease. Therefore, it has been classified as a Variant of Uncertain Significance. This variant is not present in population databases (ExAC no frequency). This sequence change results in a premature translational stop signal in the APC gene (p.Pro2788Lysfs*3). While this is not anticipated to result in nonsense mediated decay, it is expected to disrupt the last 56 amino acids of the APC protein.

NM_000038.6(APC):c.8362_8363del (p.Pro2788fs)

Gene: APC (APC regulator of Wnt signaling pathway; plus strand). Cytogenetic location: 5q22.2.
Variant type: Deletion.
Coding change: c.8362_8363del on transcript NM_000038.6 (MANE Select); coding-DNA positions 8362 to 8363, 2 bases deleted (CC; older notation c.8362_8363delCC).
Protein change: p.Pro2788fs; shifts the reading frame from proline 2788.
Molecular consequence: frameshift variant.
Genome position (GRCh38, 1-based): chr5:112,843,956-112,843,957, CC deleted; deleting any 2 consecutive bases within chr5:112,843,955-112,843,957 gives the same sequence; the c. name uses the placement nearest the transcript's 3' end. VCF-style (leftmost placement, unchanged base first): chr5-112843954-ACC-A. GRCh37 (hg19) VCF-style: chr5-112179651-ACC-A.
Other names: c.8362_8363del, p.Pro2788fs (NM_001127510.3, NM_001354895.2); c.8308_8309del, p.Pro2770fs (NM_001127511.3); c.8416_8417del, p.Pro2806fs (NM_001354896.2); c.8392_8393del, p.Pro2798fs (NM_001354897.2); c.8287_8288del, p.Pro2763fs (NM_001354898.2); c.8278_8279del, p.Pro2760fs (NM_001354899.2); c.8239_8240del, p.Pro2747fs (NM_001354900.2); c.8185_8186del, p.Pro2729fs (NM_001354901.2); and 5 more; short protein forms P2505fs, P2628fs, P2662fs, P2687fs, P2697fs, P2729fs, P2747fs, P2760fs.
Identifiers: ClinVar variation 1009998 (VCV001009998.8), dbSNP rs1766722051, ClinGen allele CA1573477826.
Genomic context (GRCh38, chr5:112,843,954, plus strand): 5'-CAAGCAAACACAGTTCACCTAGTGGGACTGTTGCTGCCAGAGTGACTCCTTTTAATTACA[ACC>A]CAAGCCCTAGGAAAAGCAGCGCAGATAGCACTTCAGCTCGGCCATCTCAGATCCCAACTC-3'